The following is an entry in ClinVar:

NM_025099.6(CTC1):c.2453G>T (p.Arg818Leu)

Gene: CTC1 (CST telomere replication complex component 1; minus strand). Cytogenetic location: 17p13.1.
Variant type: single nucleotide variant.
Coding change: c.2453G>T on transcript NM_025099.6 (MANE Select); coding-DNA position 2453, G replaced by T.
Protein change: p.Arg818Leu; replaces arginine 818 with leucine.
Molecular consequence: missense variant. On other transcripts: non-coding transcript variant (1).
Genome position (GRCh38, 1-based): chr17:8,231,748, C>A on the plus strand (G>T on the coding strand, the complement: CTC1 is on the minus strand). VCF-style: chr17-8231748-C-A. GRCh37 (hg19) VCF-style: chr17-8135066-C-A.
Other names: short protein forms R818L.
Identifiers: ClinVar variation 962793 (VCV000962793.1), dbSNP rs772328631, ClinGen allele CA8372079.
Genomic context (GRCh38, chr17:8,231,748, plus strand): 5'-GCTTTCTGGGGAAAGGTATGATGAAGTAGGACACTCACAGCGGGGCCAGGAGCTATGAGT[C>A]GGTACACCTGTCCCGGGTGCAAGAACTCAAACCAGCGGACTGAAGAGCCAAAGAAAATGA-3'
Protein context (NP_079375.3, residues 808-828): FEFLHPGQVY[Arg818Leu]LIAPGPATPM

ClinVar aggregate classification (germline): Uncertain significance (1 of 4 stars; one submission).

Conditions:
Dyskeratosis congenita. Identifiers: Orphanet 1775, MedGen C0265965, MONDO:0015780.

Allele frequency attached by ClinVar (database versions not stated): TOPMed 0.00001.
gnomAD v4.1: 11 of 1,614,088 alleles (0.00068%); highest among the groups gnomAD compares: South Asian, 0.011%; no homozygotes.

Submission:

Labcorp Genetics (formerly Invitae), Labcorp
Classification: Uncertain significance for Dyskeratosis congenita. Last evaluated: 2019-09-04. Review status: criteria provided, single submitter. Criteria: Invitae Variant Classification Sherloc (09022015). Collection method: clinical testing. Allele origin: germline.
Comment: This sequence change replaces arginine with leucine at codon 818 of the CTC1 protein (p.Arg818Leu). The arginine residue is highly conserved and there is a moderate physicochemical difference between arginine and leucine. This variant is present in population databases (rs772328631, ExAC 0.02%). This variant has not been reported in the literature in individuals with CTC1-related conditions. Algorithms developed to predict the effect of missense changes on protein structure and function are either unavailable or do not agree on the potential impact of this missense change (SIFT: "Deleterious"; PolyPhen-2: "Probably Damaging"; Align-GVGD: "Class C0"). In summary, the available evidence is currently insufficient to determine the role of this variant in disease. Therefore, it has been classified as a Variant of Uncertain Significance.